The following is an entry in ClinVar:

NM_173689.7(CRB2):c.1906_1916dup (p.Cys640fs)

Gene: CRB2 (crumbs cell polarity complex component 2; plus strand). Cytogenetic location: 9q33.3.
Variant type: Duplication.
Coding change: c.1906_1916dup on transcript NM_173689.7 (MANE Select); coding-DNA positions 1906 to 1916, 11 bases duplicated (AGAGGTCCCAC).
Protein change: p.Cys640fs; shifts the reading frame from cysteine 640.
Molecular consequence: frameshift variant. On other transcripts: non-coding transcript variant (1).
Genome position (GRCh38, 1-based): chr9:123,370,959-123,370,969, AGAGGTCCCAC duplicated. VCF-style (leftmost placement, unchanged base first): chr9-123370958-T-TAGAGGTCCCAC. GRCh37 (hg19) VCF-style: chr9-126133237-T-TAGAGGTCCCAC.
Other names: short protein forms C640fs.
Identifiers: ClinVar variation 5007383 (VCV005007383.2).

ClinVar aggregate classification (germline): Likely pathogenic (1 of 4 stars; one submission).

Conditions:
Focal segmental glomerulosclerosis 9 (FSGS9). Identifiers: Orphanet 656, MedGen C4015555, MONDO:0014539, OMIM 616220.
Ventriculomegaly-cystic kidney disease. Also called: Ventriculomegaly with cystic kidney disease. Identifiers: Orphanet 443988, MedGen C1857423, MONDO:0009063, OMIM 219730.

Submission:

Juno Genomics, Hangzhou Juno Genomics, Inc
Classification: Likely pathogenic for Ventriculomegaly-cystic kidney disease; Focal segmental glomerulosclerosis 9. Review status: criteria provided, single submitter. Criteria: ACMG Guidelines, 2015. Collection method: clinical testing. Allele origin: germline.
Comment: Null variant in a gene where loss of function (LOF) is a known mechanism of disease.;Absent from controls (or at extremely low frequency if recessive) in Genome Aggregation Database.